The following is an entry in ClinVar:

ClinVar aggregate classification (germline): Likely benign (1 of 4 stars; one submission).

Conditions:
Leigh syndrome (NULS). Also called: Leigh's necrotizing encephalopathy; Leigh's disease; Leigh Syndrome (mtDNA deletion); Leigh Disease; Subacute necrotizing encephalopathy; Necrotizing encephalopathy infantile subacute of Leigh. Identifiers: Orphanet 506, MedGen C2931891, MONDO:0009723, OMIM 256000.

Submission:

Wong Mito Lab, Molecular and Human Genetics, Baylor College of Medicine
Classification: Likely benign for Leigh syndrome. Last evaluated: 2019-10-17. Review status: criteria provided, single submitter. Criteria: Modified ACMG Guidelines (Unpublished). Collection method: clinical testing. Allele origin: germline.
Comment: The NC_012920.1:m.6445C>T (YP_003024028.1:p.Thr181Met) variant in MTCO1 gene is interpretated to be a Likely Benign variant based on the modified ACMG guidelines (unpublished). This variant meets the following evidence codes: BS1, BP6

NC_012920.1(MT-CO1):m.6445C>T

Gene: MT-CO1 (mitochondrially encoded cytochrome c oxidase I; plus strand).
Variant type: single nucleotide variant.
Genome position: chrM-6445-C-T.
Identifiers: ClinVar variation 692649 (VCV000692649.1), dbSNP rs879164161, ClinGen allele CA337097398.